The following is an entry in ClinVar:

NM_000038.6(APC):c.4924T>G (p.Tyr1642Asp)

Gene: APC (APC regulator of Wnt signaling pathway; plus strand). Cytogenetic location: 5q22.2.
Variant type: single nucleotide variant.
Coding change: c.4924T>G on transcript NM_000038.6 (MANE Select); coding-DNA position 4924, T replaced by G.
Protein change: p.Tyr1642Asp; replaces tyrosine 1642 with aspartic acid.
Molecular consequence: missense variant.
Genome position (GRCh38, 1-based): chr5:112,840,518, T>G. VCF-style: chr5-112840518-T-G. GRCh37 (hg19) VCF-style: chr5-112176215-T-G.
Other names: c.4924T>G, p.Tyr1642Asp (NM_001127510.3, NM_001354895.2); c.4870T>G, p.Tyr1624Asp (NM_001127511.3); c.4978T>G, p.Tyr1660Asp (NM_001354896.2); c.4954T>G, p.Tyr1652Asp (NM_001354897.2); c.4849T>G, p.Tyr1617Asp (NM_001354898.2); c.4840T>G, p.Tyr1614Asp (NM_001354899.2); c.4801T>G, p.Tyr1601Asp (NM_001354900.2); c.4747T>G, p.Tyr1583Asp (NM_001354901.2); and 5 more; short protein forms Y1624D, Y1642D, Y1516D, Y1583D, Y1601D, Y1614D, Y1551D, Y1652D.
Identifiers: ClinVar variation 482394 (VCV000482394.16), dbSNP rs1554086312, ClinGen allele CA16032116.
Genomic context (GRCh38, chr5:112,840,518, plus strand): 5'-AACAGGTTGCAACCCCAAAAGCATGTTAGTTTTACACCGGGGGATGATATGCCACGGGTG[T>G]ATTGTGTTGAAGGGACACCTATAAACTTTTCCACAGCTACATCTCTAAGTGATCTAACAA-3'
Protein context (NP_000029.2, residues 1632-1652): FTPGDDMPRV[Tyr1642Asp]CVEGTPINFS

ClinVar aggregate classification (germline): Uncertain significance. Review status: criteria provided, multiple submitters, no conflicts (2 of 4 stars). 2 submissions from 2 submitters: Uncertain significance (2). Last evaluated 2022-06-04.

Conditions:
Hereditary cancer-predisposing syndrome. Also called: Neoplastic Syndromes, Hereditary; Tumor predisposition; Hereditary Cancer Syndrome; Hereditary neoplastic syndrome. Identifiers: Orphanet 140162, MedGen C0027672, MeSH D009386, MONDO:0015356.
Familial adenomatous polyposis 1 (FAP1). Also called: FAMILIAL ADENOMATOUS POLYPOSIS 1, ATTENUATED; POLYPOSIS, ADENOMATOUS INTESTINAL. Identifiers: MedGen C2713442, MONDO:0021056, OMIM 175100. Disease mechanism: loss of function.

Submissions (2):

Labcorp Genetics (formerly Invitae), Labcorp
Classification: Uncertain significance for Familial adenomatous polyposis 1. Last evaluated: 2022-06-04. Review status: criteria provided, single submitter. Criteria: Invitae Variant Classification Sherloc (09022015). Collection method: clinical testing. Allele origin: germline.
Comment: In summary, the available evidence is currently insufficient to determine the role of this variant in disease. Therefore, it has been classified as a Variant of Uncertain Significance. Algorithms developed to predict the effect of missense changes on protein structure and function (SIFT, PolyPhen-2, Align-GVGD) all suggest that this variant is likely to be disruptive. ClinVar contains an entry for this variant (Variation ID: 482394). This variant has not been reported in the literature in individuals affected with APC-related conditions. This variant is not present in population databases (gnomAD no frequency). This sequence change replaces tyrosine, which is neutral and polar, with aspartic acid, which is acidic and polar, at codon 1642 of the APC protein (p.Tyr1642Asp).

Ambry Genetics
Classification: Uncertain significance for Hereditary cancer-predisposing syndrome. Last evaluated: 2016-08-03. Review status: criteria provided, single submitter. Criteria: Ambry Variant Classification Scheme 2023. Collection method: clinical testing. Allele origin: germline.
Comment: The p.Y1642D variant (also known as c.4924T>G), located in coding exon 15 of the APC gene, results from a T to G substitution at nucleotide position 4924. The tyrosine at codon 1642 is replaced by aspartic acid, an amino acid with highly dissimilar properties. This variant was not reported in population based cohorts in the following databases: Database of Single Nucleotide Polymorphisms (dbSNP), NHLBI Exome Sequencing Project (ESP), and 1000 Genomes Project. In the ESP, this variant was not observed in 6502 samples (13004 alleles) with coverage at this position. To date, this alteration has been detected with an allele frequency of approximately 0.001% (greater than 90000 alleles tested) in our clinical cohort. This amino acid position is highly conserved in available vertebrate species. In addition, in silico predictors for this gene do not accurately predict pathogenicity. Since supporting evidence is limited at this time, the clinical significance of this alteration remains unclear.